The following is an entry in ClinVar:

ClinVar aggregate classification (germline): Uncertain significance. Review status: criteria provided, multiple submitters, no conflicts (2 of 4 stars). 2 submissions from 2 submitters: Uncertain significance (2). Last evaluated 2025-03-17.

Conditions:
Tuberous sclerosis 2 (TSC2). Identifiers: Orphanet 805, MedGen C1860707, MONDO:0013199, OMIM 613254.
Hereditary cancer-predisposing syndrome. Also called: Neoplastic Syndromes, Hereditary; Hereditary neoplastic syndrome; Hereditary Cancer Syndrome; Tumor predisposition. Identifiers: Orphanet 140162, MedGen C0027672, MeSH D009386, MONDO:0015356.

Submissions (2):

Ambry Genetics
Classification: Uncertain significance for Hereditary cancer-predisposing syndrome. Last evaluated: 2025-03-17. Review status: criteria provided, single submitter. Criteria: Ambry Variant Classification Scheme 2023. Collection method: clinical testing. Allele origin: germline.
Comment: The c.2639+2dupT intronic variant, results from a duplication of two nucleotides at nucleotide position 2639 after intron 22 of the TSC2 gene. This nucleotide position is highly conserved in available vertebrate species. In silico splice site analysis for this alteration is inconclusive. Based on the available evidence, the clinical significance of this variant remains unclear.

Labcorp Genetics (formerly Invitae), Labcorp
Classification: Uncertain significance for Tuberous sclerosis 2. Last evaluated: 2022-11-08. Review status: criteria provided, single submitter. Criteria: Invitae Variant Classification Sherloc (09022015). Collection method: clinical testing. Allele origin: germline.
Comment: This sequence change falls in intron 23 of the TSC2 gene. It does not directly change the encoded amino acid sequence of the TSC2 protein. It affects a nucleotide within the consensus splice site. This variant is not present in population databases (gnomAD no frequency). This variant has not been reported in the literature in individuals affected with TSC2-related conditions. ClinVar contains an entry for this variant (Variation ID: 999878). Variants that disrupt the consensus splice site are a relatively common cause of aberrant splicing (PMID: 17576681, 9536098). Algorithms developed to predict the effect of sequence changes on RNA splicing suggest that this variant is not likely to affect RNA splicing. In summary, the available evidence is currently insufficient to determine the role of this variant in disease. Therefore, it has been classified as a Variant of Uncertain Significance.

Literature cited by the submitters: PubMed 17576681 (cited by Labcorp Genetics (formerly Invitae), Labcorp); PubMed 9536098 (cited by Labcorp Genetics (formerly Invitae), Labcorp).

NM_000548.5(TSC2):c.2639+2dup

Gene: TSC2 (TSC complex subunit 2; plus strand). Cytogenetic location: 16p13.3.
Variant type: Duplication.
Coding change: c.2639+2dup on transcript NM_000548.5 (MANE Select); the canonical splice donor site of the intron after coding-DNA position 2639, one base duplicated (T; older notation c.2639+2dupT).
Molecular consequence: splice donor variant.
Genome position (GRCh38, 1-based): chr16:2,075,894, T duplicated. VCF-style (leftmost placement, unchanged base first): chr16-2075893-G-GT. GRCh37 (hg19) VCF-style: chr16-2125894-G-GT.
Other names: c.2639+2dupT (NM_000548.3); c.2639+2dup (NM_001114382.3, NM_021055.3, NM_001370405.1 and 3 more transcripts); c.2528+2dup (NM_001318827.2); c.2039+2dup (NM_001318831.2); c.2492+2dup (NM_001318829.2); c.2672+2dup (NM_001318832.2).
Identifiers: ClinVar variation 999878 (VCV000999878.7), dbSNP rs2089276740, ClinGen allele CA2202017766.
Genomic context (GRCh38, chr16:2,075,893, plus strand): 5'-TGCCGCGGAGCAGTATGCCAGTGTGTTCGCCATCTCCCTGCCGTACACCAACCCCTCCAA[G>GT]TGAGTGGTCGCCCCAGGCCCTGTGCCTCCCAGCCGTGGCCCCCGCTAGGCCTTGCGGCAG-3'